The following is an entry in ClinVar:

ClinVar aggregate classification (germline): Conflicting classifications of pathogenicity. Review status: criteria provided, conflicting classifications (1 of 4 stars). 2 submissions from 2 submitters: Uncertain significance (1); Likely benign (1). Last evaluated 2024-11-05.

Conditions:
Hereditary cancer-predisposing syndrome. Also called: Tumor predisposition; Neoplastic Syndromes, Hereditary; Hereditary Cancer Syndrome; Hereditary neoplastic syndrome. Identifiers: Orphanet 140162, MedGen C0027672, MeSH D009386, MONDO:0015356.
Ataxia-telangiectasia syndrome (AT). Also called: ATAXIA-TELANGIECTASIA, FRESNO VARIANT; Ataxia-telangiectasia, complementation group D; AT, COMPLEMENTATION GROUP C; Ataxia-telangiectasia; Ataxia-telangiectasia, complementation group E; Ataxia telangiectasia (A-T). Identifiers: Orphanet 100, MedGen C0004135, MONDO:0008840, OMIM 208900.

Submissions (2):

Labcorp Genetics (formerly Invitae), Labcorp
Classification: Uncertain significance for Ataxia-telangiectasia syndrome. Last evaluated: 2024-11-05. Review status: criteria provided, single submitter. Criteria: Invitae Variant Classification Sherloc (09022015). Collection method: clinical testing. Allele origin: germline.
Comment: This sequence change replaces methionine, which is neutral and non-polar, with isoleucine, which is neutral and non-polar, at codon 855 of the ATM protein (p.Met855Ile). This variant is not present in population databases (gnomAD no frequency). This variant has not been reported in the literature in individuals affected with ATM-related conditions. ClinVar contains an entry for this variant (Variation ID: 1057086). Invitae Evidence Modeling of protein sequence and biophysical properties (such as structural, functional, and spatial information, amino acid conservation, physicochemical variation, residue mobility, and thermodynamic stability) indicates that this missense variant is not expected to disrupt ATM protein function with a negative predictive value of 95%. In summary, the available evidence is currently insufficient to determine the role of this variant in disease. Therefore, it has been classified as a Variant of Uncertain Significance.

Ambry Genetics
Classification: Likely benign for Hereditary cancer-predisposing syndrome. Last evaluated: 2024-03-27. Review status: criteria provided, single submitter. Criteria: Ambry Variant Classification Scheme 2023. Collection method: clinical testing. Allele origin: germline.

NM_000051.4(ATM):c.2565G>T (p.Met855Ile)

Gene: ATM (ATM serine/threonine kinase; plus strand). Cytogenetic location: 11q22.3.
Variant type: single nucleotide variant.
Coding change: c.2565G>T on transcript NM_000051.4 (MANE Select); coding-DNA position 2565, G replaced by T.
Protein change: p.Met855Ile; replaces methionine 855 with isoleucine.
Molecular consequence: missense variant.
Genome position (GRCh38, 1-based): chr11:108,267,269, G>T. VCF-style: chr11-108267269-G-T. GRCh37 (hg19) VCF-style: chr11-108137996-G-T.
Other names: c.2565G>T, p.Met855Ile (NM_001351834.2); c.2565G>T (NM_000051.3); short protein forms M855I.
Identifiers: ClinVar variation 1057086 (VCV001057086.10), dbSNP rs2081308163, ClinGen allele CA382543822.
Genomic context (GRCh38, chr11:108,267,269, plus strand): 5'-AGAATCAATGGAAGATGATACTAATGGAAATCTAATGGAGGTGGAGGATCAGTCATCCAT[G>T]AATCTATTTAACGATTACCCTGATAGTAGTGTTAGTGATGCAAACGAACCTGGAGAGAGC-3'
Protein context (NP_000042.3, residues 845-865): NLMEVEDQSS[Met855Ile]NLFNDYPDSS